The following is an entry in ClinVar:

NM_000540.3(RYR1):c.6451G>A (p.Asp2151Asn)

Gene: RYR1 (ryanodine receptor 1; plus strand). Cytogenetic location: 19q13.2.
Variant type: single nucleotide variant.
Coding change: c.6451G>A on transcript NM_000540.3 (MANE Select); coding-DNA position 6451, G replaced by A.
Protein change: p.Asp2151Asn; replaces aspartic acid 2151 with asparagine.
Molecular consequence: missense variant.
Genome position (GRCh38, 1-based): chr19:38,494,528, G>A. VCF-style: chr19-38494528-G-A. GRCh37 (hg19) VCF-style: chr19-38985168-G-A.
Other names: c.6451G>A, p.Asp2151Asn (NM_001042723.2); short protein forms D2151N.
Identifiers: ClinVar variation 478256 (VCV000478256.6), dbSNP rs1555781651, ClinGen allele CA405664143.

ClinVar aggregate classification (germline): Uncertain significance. Review status: criteria provided, multiple submitters, no conflicts (2 of 4 stars). 3 submissions from 3 submitters: Uncertain significance (3). Last evaluated 2025-05-13.

Conditions:
RYR1-related disorder. Also called: RYR1-related condition; RYR1-related disorders. Identifiers: MedGen CN239331.
Malignant hyperthermia, susceptibility to, 1 (MHS1). Also called: Anesthesia related hyperthermia; Malignant hyperpyrexia; Fulminating hyperpyrexia; Pharmacogenic myopathy; Malignant hyperthermia suceptibility 1; RYR1-Related Malignant Hyperthermia Susceptibility. Identifiers: Orphanet 423, MedGen C2930980, MONDO:0007783, OMIM 145600.

Allele frequency attached by ClinVar (database versions not stated): gnomAD exomes below 0.00001.
gnomAD v4.1: 6 of 1,613,996 alleles (0.00037%); highest among the groups gnomAD compares: Non-Finnish European, 0.00051%; no homozygotes.

Submissions (3):

Labcorp Genetics (formerly Invitae), Labcorp
Classification: Uncertain significance for RYR1-related disorder. Last evaluated: 2025-05-13. Review status: criteria provided, single submitter. Criteria: Invitae Variant Classification Sherloc (09022015). Collection method: clinical testing. Allele origin: germline.
Comment: This sequence change replaces aspartic acid, which is acidic and polar, with asparagine, which is neutral and polar, at codon 2151 of the RYR1 protein (p.Asp2151Asn). This variant is not present in population databases (gnomAD no frequency). This variant has not been reported in the literature in individuals affected with RYR1-related conditions. ClinVar contains an entry for this variant (Variation ID: 478256). Invitae Evidence Modeling of protein sequence and biophysical properties (such as structural, functional, and spatial information, amino acid conservation, physicochemical variation, residue mobility, and thermodynamic stability) indicates that this missense variant is expected to disrupt RYR1 protein function with a positive predictive value of 80%. In summary, the available evidence is currently insufficient to determine the role of this variant in disease. Therefore, it has been classified as a Variant of Uncertain Significance.

All of Us Research Program, National Institutes of Health
Classification: Uncertain significance for Malignant hyperthermia, susceptibility to, 1. Last evaluated: 2023-08-15. Review status: criteria provided, single submitter. Criteria: ACMG Guidelines, 2015. Collection method: clinical testing. Allele origin: germline. Inheritance: Autosomal dominant inheritance. Observed: 1 variant allele, 1 heterozygote.
Comment: This study involves interpretation of variants in research participants for the purpose of population health screening. Participant phenotype was not available at the time of variant classification. Additional details can be found in publication PMID: 35346344, PMCID: PMC8962531

Revvity Omics, Revvity
Classification: Uncertain significance. Last evaluated: 2022-08-23. Review status: criteria provided, single submitter. Criteria: ACMG Guidelines, 2015. Collection method: clinical testing. Allele origin: germline.